The following is an entry in ClinVar:

ClinVar aggregate classification (germline): Uncertain significance (1 of 4 stars; one submission).

Submission:

Labcorp Genetics (formerly Invitae), Labcorp
Classification: Uncertain significance. Last evaluated: 2022-07-26. Review status: criteria provided, single submitter. Criteria: Invitae Variant Classification Sherloc (09022015). Collection method: clinical testing. Allele origin: germline.
Comment: This sequence change replaces serine, which is neutral and polar, with isoleucine, which is neutral and non-polar, at codon 512 of the BEST1 protein (p.Ser512Ile). This variant is not present in population databases (gnomAD no frequency). In summary, the available evidence is currently insufficient to determine the role of this variant in disease. Therefore, it has been classified as a Variant of Uncertain Significance. Advanced modeling of protein sequence and biophysical properties (such as structural, functional, and spatial information, amino acid conservation, physicochemical variation, residue mobility, and thermodynamic stability) performed at Invitae indicates that this missense variant is not expected to disrupt BEST1 protein function. ClinVar contains an entry for this variant (Variation ID: 1040742). This variant has not been reported in the literature in individuals affected with BEST1-related conditions.

NM_004183.4(BEST1):c.1535G>T (p.Ser512Ile)

Gene: BEST1 (bestrophin 1; plus strand). Cytogenetic location: 11q12.3.
Variant type: single nucleotide variant.
Coding change: c.1535G>T on transcript NM_004183.4 (MANE Select); coding-DNA position 1535, G replaced by T.
Protein change: p.Ser512Ile; replaces serine 512 with isoleucine.
Molecular consequence: missense variant. On other transcripts: non-coding transcript variant (1).
Genome position (GRCh38, 1-based): chr11:61,962,689, G>T. VCF-style: chr11-61962689-G-T. GRCh37 (hg19) VCF-style: chr11-61730161-G-T.
Other names: c.1355G>T, p.Ser452Ile (NM_001139443.3, NM_001300787.2); c.1274G>T, p.Ser425Ile (NM_001300786.2); c.1217G>T, p.Ser406Ile (NM_001363591.3); c.*430G>T (NM_001363592.2); c.563G>T, p.Ser188Ile (NM_001363593.3); short protein forms S188I, S425I, S406I, S452I, S512I.
Identifiers: ClinVar variation 1040742 (VCV001040742.10), dbSNP rs775584943, ClinGen allele CA380849452.